The following is an entry in ClinVar:

ClinVar aggregate classification (germline): Uncertain significance (1 of 4 stars; one submission).

Conditions:
Emery-Dreifuss muscular dystrophy 5, autosomal dominant (EDMD5). Also called: EMERY-DREIFUSS MUSCULAR DYSTROPHY 5. Identifiers: Orphanet 261, MedGen C2751805, MONDO:0013072, OMIM 612999.

gnomAD v4.1: 8 of 1,614,014 alleles (0.0005%); highest among the groups gnomAD compares: African/African-American, 0.011%; no homozygotes.

Submission:

Labcorp Genetics (formerly Invitae), Labcorp
Classification: Uncertain significance for Emery-Dreifuss muscular dystrophy 5, autosomal dominant. Last evaluated: 2025-11-04. Review status: criteria provided, single submitter. Criteria: Invitae Variant Classification Sherloc (09022015). Collection method: clinical testing. Allele origin: germline.
Comment: This sequence change replaces threonine, which is neutral and polar, with alanine, which is neutral and non-polar, at codon 3503 of the SYNE2 protein (p.Thr3503Ala). This variant is present in population databases (rs777785223, gnomAD 0.01%). This variant has not been reported in the literature in individuals affected with SYNE2-related conditions. An algorithm developed to predict the effect of missense changes on protein structure and function (PolyPhen-2) suggests that this variant is likely to be tolerated. In summary, the available evidence is currently insufficient to determine the role of this variant in disease. Therefore, it has been classified as a Variant of Uncertain Significance.

NM_182914.3(SYNE2):c.10507A>G (p.Thr3503Ala)

Gene: SYNE2 (spectrin repeat containing nuclear envelope protein 2; plus strand). Cytogenetic location: 14q23.2.
Variant type: single nucleotide variant.
Coding change: c.10507A>G on transcript NM_182914.3 (MANE Select); coding-DNA position 10507, A replaced by G.
Protein change: p.Thr3503Ala; replaces threonine 3503 with alanine.
Molecular consequence: missense variant.
Genome position (GRCh38, 1-based): chr14:64,070,720, A>G. VCF-style: chr14-64070720-A-G. GRCh37 (hg19) VCF-style: chr14-64537438-A-G.
Other names: c.10507A>G, p.Thr3503Ala (NM_015180.6); short protein forms T3503A.
Identifiers: ClinVar variation 4761325 (VCV004761325.1).